The following is an entry in ClinVar:

NM_001015880.2(PAPSS2):c.1045C>T (p.Arg349Cys)

Gene: PAPSS2 (3'-phosphoadenosine 5'-phosphosulfate synthase 2; plus strand). Cytogenetic location: 10q23.31.
Variant type: single nucleotide variant.
Coding change: c.1045C>T on transcript NM_001015880.2 (MANE Select); coding-DNA position 1045, C replaced by T.
Protein change: p.Arg349Cys; replaces arginine 349 with cysteine.
Molecular consequence: missense variant.
Genome position (GRCh38, 1-based): chr10:87,727,448, C>T. VCF-style: chr10-87727448-C-T. GRCh37 (hg19) VCF-style: chr10-89487205-C-T.
Other names: c.1030C>T, p.Arg344Cys (NM_004670.4); short protein forms R349C, R344C.
Identifiers: ClinVar variation 2918559 (VCV002918559.2), dbSNP rs1305827667, ClinGen allele CA377489618.
Genomic context (GRCh38, chr10:87,727,448, plus strand): 5'-AGGGTAGCTATCTTACGAGACGCTGAATTCTATGAACACAGAAAAGAGGAACGCTGTTCC[C>T]GTGTTTGGGGGACAACATGTACAAAACACCCCCATATCAAAGTAAGTCACAAAACCTTTG-3'
Protein context (NP_001015880.1, residues 339-359): YEHRKEERCS[Arg349Cys]VWGTTCTKHP

ClinVar aggregate classification (germline): Uncertain significance (1 of 4 stars; one submission).

Conditions:
Spondyloepimetaphyseal dysplasia, PAPSS2 type. Also called: SEMD, PAKISTANI TYPE; BRACHYOLMIA TYPE 4 WITH MILD EPIPHYSEAL AND METAPHYSEAL CHANGES; SPONDYLODYSPLASIA AND PREMATURE PUBARCHE. Identifiers: Orphanet 93282, MedGen C2748516, MONDO:0019666, OMIM 612847.

Allele frequency attached by ClinVar (database versions not stated): TOPMed 0.00001.

Submission:

Labcorp Genetics (formerly Invitae), Labcorp
Classification: Uncertain significance for Spondyloepimetaphyseal dysplasia, PAPSS2 type. Last evaluated: 2023-04-14. Review status: criteria provided, single submitter. Criteria: Invitae Variant Classification Sherloc (09022015). Collection method: clinical testing. Allele origin: germline.
Comment: This sequence change replaces arginine, which is basic and polar, with cysteine, which is neutral and slightly polar, at codon 349 of the PAPSS2 protein (p.Arg349Cys). This variant is present in population databases (no rsID available, gnomAD no frequency). This variant has not been reported in the literature in individuals affected with PAPSS2-related conditions. An algorithm developed to predict the effect of missense changes on protein structure and function (PolyPhen-2) suggests that this variant is likely to be disruptive. In summary, the available evidence is currently insufficient to determine the role of this variant in disease. Therefore, it has been classified as a Variant of Uncertain Significance.